The following is an entry in ClinVar:

ClinVar aggregate classification (germline): Pathogenic. Review status: criteria provided, multiple submitters, no conflicts (2 of 4 stars). 10 submissions from 10 submitters: Pathogenic (9). 1 of the submissions does not count toward it. Last evaluated 2026-05-01.

Conditions:
SGCE-related disorder. Also called: SGCE-related condition.
Myoclonic dystonia 11 (DYT11). Also called: Dystonia, alcohol responsive; Hereditary essential myoclonus; DYT-SGCE; SGCE Myoclonus-Dystonia; Myoclonus-Dystonia; Myoclonic dystonia. Identifiers: Orphanet 36899, MedGen C1834570, MONDO:0008044, OMIM 159900.

Allele frequency attached by ClinVar (database versions not stated): gnomAD exomes below 0.00001; gnomAD 0.00001; TOPMed 0.00001.
gnomAD v4.1: 4 of 1,611,212 alleles (0.00025%); highest among the groups gnomAD compares: African/African-American, 0.0027%; no homozygotes.

Submissions (10):

CeGaT Center for Human Genetics Tuebingen
Classification: Pathogenic. Last evaluated: 2026-05-01. Review status: criteria provided, single submitter. Criteria: CeGaT Center For Human Genetics Tuebingen Variant Classification Criteria Version 2. Collection method: clinical testing. Allele origin: germline. Affected: yes. Observed: 8 variant alleles.
Comment: SGCE: PVS1, PM2, PS4:Moderate

PreventionGenetics, part of Exact Sciences
Classification: Pathogenic for SGCE-related condition. Last evaluated: 2025-12-02. Review status: criteria provided, single submitter. Criteria: ACMG Guidelines, 2015. Collection method: clinical testing. Allele origin: germline.
Comment: The SGCE c.304C>T variant is predicted to result in premature protein termination (p.Arg102*). This variant has been documented to be causative for myoclonus-dystonia syndrome (Zimprich et al. 2001. PubMed ID: 11528394; Azuma et al. 2022. PubMed ID: 36161439; Morikawa et al. 2022. PubMed ID: 35995778). This variant has not been reported in a large population database (gnomAD), indicating this variant is rare. In ClinVar, this variant has been interpreted as pathogenic by multiple submitters (Variation ID: 5769). Nonsense variants in SGCE are expected to be pathogenic. This variant is interpreted as pathogenic.

Labcorp Genetics (formerly Invitae), Labcorp
Classification: Pathogenic for Myoclonic dystonia 11. Last evaluated: 2025-04-01. Review status: criteria provided, single submitter. Criteria: Invitae Variant Classification Sherloc (09022015). Collection method: clinical testing. Allele origin: germline.
Comment: This sequence change creates a premature translational stop signal (p.Arg102*) in the SGCE gene. It is expected to result in an absent or disrupted protein product. Loss-of-function variants in SGCE are known to be pathogenic (PMID: 12821748, 15389977, 17853490, 24297365). This variant is not present in population databases (gnomAD no frequency). This premature translational stop signal has been observed in individual(s) with myoclonus–dystonia (PMID: 11528394, 12874409, 18205193). It has also been observed to segregate with disease in related individuals. ClinVar contains an entry for this variant (Variation ID: 5769). For these reasons, this variant has been classified as Pathogenic.

Blueprint Genetics
Classification: Pathogenic for SGCE-related disorders. Last evaluated: 2024-09-13. Review status: criteria provided, single submitter. Criteria: ACMG Guidelines, 2015. Collection method: clinical testing. Allele origin: germline. Affected: yes. Observed: 5 variant alleles.

GeneDx
Classification: Pathogenic. Last evaluated: 2024-01-03. Review status: criteria provided, single submitter. Criteria: GeneDx Variant Classification Process June 2021. Collection method: clinical testing. Allele origin: germline. Affected: yes.
Comment: Published functional studies demonstrate a damaging effect and show that this variant interferes with SGCE gene expression (PMID: 28155872); Nonsense variant predicted to result in protein truncation or nonsense mediated decay in a gene for which loss of function is a known mechanism of disease; Not observed at significant frequency in large population cohorts (gnomAD); This variant is associated with the following publications: (PMID: 25525159, 11528394, 12874409, 31440721, 36161439, 17853490, 22363319, 31338059, 34906973, 33022436, 35995778, 33808167, 18205193, 28155872)

Athena Diagnostics
Classification: Pathogenic. Last evaluated: 2021-07-28. Review status: criteria provided, single submitter. Criteria: Athena Diagnostics Criteria. Collection method: clinical testing. Allele origin: unknown.
Comment: This variant is expected to result in the loss of a functional protein. This variant has not been reported in large, multi-ethnic general populations. This variant appears to segregate with disease in at least one family.

Institute of Medical Genetics and Applied Genomics, University Hospital Tübingen
Classification: Pathogenic. Last evaluated: 2021-02-01. Review status: criteria provided, single submitter. Criteria: ACMG Guidelines, 2015. Collection method: clinical testing. Allele origin: germline. Inheritance: Autosomal dominant inheritance. Affected: yes.

Baylor Genetics
Classification: Pathogenic for Myoclonic dystonia 11. Last evaluated: 2019-07-22. Review status: criteria provided, single submitter. Criteria: ACMG Guidelines, 2015. Collection method: clinical testing. Allele origin: unknown. Affected: yes.
Comment: This variant was determined to be pathogenic according to ACMG Guidelines, 2015 [PMID:25741868].

Eurofins Ntd Llc (ga)
Classification: Pathogenic. Last evaluated: 2015-01-29. Review status: criteria provided, single submitter. Criteria: EGL Classification Definitions 2015. Collection method: clinical testing. Allele origin: germline. Observed: 1 variant allele, 1 heterozygote.

OMIM
Classification: Pathogenic for DYSTONIA 11, MYOCLONIC. Last evaluated: 2003-07-22. Review status: no assertion criteria provided. Collection method: literature only. Allele origin: germline. Not counted in ClinVar's aggregate classification.

Literature cited by the submitters: PubMed 12821748 (cited by Labcorp Genetics (formerly Invitae), Labcorp); PubMed 15389977 (cited by Labcorp Genetics (formerly Invitae), Labcorp); PubMed 17853490 (cited by Labcorp Genetics (formerly Invitae), Labcorp); PubMed 24297365 (cited by Labcorp Genetics (formerly Invitae), Labcorp); PubMed 11528394 (cited by 4 submitters); PubMed 12874409 (cited by 3 submitters); PubMed 18205193 (cited by Labcorp Genetics (formerly Invitae), Labcorp and Athena Diagnostics); PubMed 28155872 (cited by Athena Diagnostics); PubMed 15079037 (cited by Athena Diagnostics).

NM_003919.3(SGCE):c.304C>T (p.Arg102Ter)

Genes: CASD1 (CAS1 domain sialic acid O acetyltransferase 1; plus strand), SGCE (sarcoglycan epsilon; minus strand). Cytogenetic location: 7q21.3.
Variant type: single nucleotide variant.
Coding change: c.304C>T on transcript NM_003919.3 (MANE Select); coding-DNA position 304, C replaced by T.
Protein change: p.Arg102Ter; replaces arginine 102 with a stop codon.
Molecular consequence: nonsense.
Genome position (GRCh38, 1-based): chr7:94,628,288, G>A on the plus strand (C>T on the coding strand, the complement: SGCE is on the minus strand). VCF-style: chr7-94628288-G-A. GRCh37 (hg19) VCF-style: chr7-94257600-G-A.
Other names: c.304C>T, p.Arg102Ter (NM_001099400.2, NM_001099401.2, NM_001346717.2); c.181C>T, p.Arg61Ter (NM_001301139.2, NM_001362809.2); c.412C>T, p.Arg138Ter (NM_001346713.2, NM_001346715.2); c.217C>T, p.Arg73Ter (NM_001346719.2, NM_001362807.2); c.31C>T, p.Arg11Ter (NM_001346720.2, NM_001362808.2); short protein forms R102*, R11*, R138*, R61*, R73*.
Identifiers: ClinVar variation 5769 (VCV000005769.62), dbSNP rs121908490, ClinGen allele CA253599.